The following is an entry in ClinVar:

ClinVar aggregate classification (germline): Likely benign. Review status: criteria provided, single submitter (1 of 4 stars). 2 submissions from 2 submitters: Likely benign (1). 1 of the submissions does not count toward it. Last evaluated 2025-06-15.

Conditions:
PLXNA1-related disorder. Also called: PLXNA1-related condition.

Allele frequency attached by ClinVar (database versions not stated): gnomAD exomes 0.00004; gnomAD 0.00008; TOPMed 0.00009; ExAC 0.00013.

Submissions (2):

Labcorp Genetics (formerly Invitae), Labcorp
Classification: Likely benign. Last evaluated: 2025-06-15. Review status: criteria provided, single submitter. Criteria: Invitae Variant Classification Sherloc (09022015). Collection method: clinical testing. Allele origin: germline.

PreventionGenetics, part of Exact Sciences
Classification: Likely benign for PLXNA1-related condition. Last evaluated: 2022-07-03. Review status: no assertion criteria provided. Collection method: clinical testing. Allele origin: germline. Not counted in ClinVar's aggregate classification.
Comment: This variant is classified as likely benign based on ACMG/AMP sequence variant interpretation guidelines (Richards et al. 2015 PMID: 25741868, with internal and published modifications).

NM_032242.4(PLXNA1):c.2529C>T (p.Cys843=)

Gene: PLXNA1 (plexin A1; plus strand). Cytogenetic location: 3q21.3.
Variant type: single nucleotide variant.
Coding change: c.2529C>T on transcript NM_032242.4 (MANE Select); coding-DNA position 2529, C replaced by T.
Protein change: p.Cys843=; no amino-acid change (cysteine 843 retained).
Molecular consequence: synonymous variant.
Genome position (GRCh38, 1-based): chr3:127,014,300, C>T. VCF-style: chr3-127014300-C-T. GRCh37 (hg19) VCF-style: chr3-126733143-C-T.
Identifiers: ClinVar variation 3054959 (VCV003054959.3), dbSNP rs768162057, ClinGen allele CA2593655.